The following is an entry in ClinVar:

ClinVar aggregate classification (germline): Conflicting classifications of pathogenicity. Review status: criteria provided, conflicting classifications (1 of 4 stars). 2 submissions from 2 submitters: Uncertain significance (1); Benign (1). Last evaluated 2024-04-03.

Conditions:
Retinal dystrophy. Also called: Inherited retinal dystrophy. Identifiers: Orphanet 71862, MedGen C0854723, MeSH D058499, MONDO:0019118, HP:0000556.

Allele frequency attached by ClinVar (database versions not stated): ExAC 0.00002; TOPMed 0.00002; gnomAD 0.00003; gnomAD exomes 0.00002.
gnomAD v4.1: 28 of 1,614,068 alleles (0.0017%); highest among the groups gnomAD compares: African/African-American, 0.008%; no homozygotes.

Submissions (2):

Labcorp Genetics (formerly Invitae), Labcorp
Classification: Uncertain significance. Last evaluated: 2024-04-03. Review status: criteria provided, single submitter. Criteria: Invitae Variant Classification Sherloc (09022015). Collection method: clinical testing. Allele origin: germline.
Comment: This sequence change replaces valine, which is neutral and non-polar, with methionine, which is neutral and non-polar, at codon 78 of the SEMA4A protein (p.Val78Met). This variant is present in population databases (rs763670204, gnomAD 0.02%). This missense change has been observed in individual(s) with colorectal cancer (PMID: 25307848). Advanced modeling of protein sequence and biophysical properties (such as structural, functional, and spatial information, amino acid conservation, physicochemical variation, residue mobility, and thermodynamic stability) performed at Invitae indicates that this missense variant is expected to disrupt SEMA4A protein function with a positive predictive value of 80%. In summary, the available evidence is currently insufficient to determine the role of this variant in disease. Therefore, it has been classified as a Variant of Uncertain Significance.

Dept Of Ophthalmology, Nagoya University
Classification: Benign for Retinal dystrophy. Last evaluated: 2023-10-01. Review status: criteria provided, single submitter. Criteria: Submitter's publication. Collection method: research. Allele origin: germline. Affected: yes.

Literature cited by the submitters: PubMed 25307848 (cited by Labcorp Genetics (formerly Invitae), Labcorp).

NM_022367.4(SEMA4A):c.232G>A (p.Val78Met)

Gene: SEMA4A (semaphorin 4A; plus strand). Cytogenetic location: 1q22.
Variant type: single nucleotide variant.
Coding change: c.232G>A on transcript NM_022367.4 (MANE Select); coding-DNA position 232, G replaced by A.
Protein change: p.Val78Met; replaces valine 78 with methionine.
Molecular consequence: missense variant. On other transcripts: 5 prime UTR variant (4).
Genome position (GRCh38, 1-based): chr1:156,156,506, G>A. VCF-style: chr1-156156506-G-A. GRCh37 (hg19) VCF-style: chr1-156126297-G-A.
Other names: c.232G>A, p.Val78Met (NM_001193300.2, NM_001193301.2, NM_001370567.1); c.-66G>A (NM_001193302.2, NM_001370568.1); c.-293G>A (NM_001370569.1, NM_001370571.1); short protein forms V78M.
Identifiers: ClinVar variation 3028226 (VCV003028226.3), dbSNP rs763670204, ClinGen allele CA1154952.